The following is an entry in ClinVar:

ClinVar aggregate classification (germline): Pathogenic (1 of 4 stars; one submission).

Conditions:
Inborn genetic diseases. Identifiers: MedGen C0950123, MeSH D030342.

Submission:

Ambry Genetics
Classification: Pathogenic for Inborn genetic diseases. Last evaluated: 2023-10-02. Review status: criteria provided, single submitter. Criteria: Ambry Variant Classification Scheme 2023. Collection method: clinical testing. Allele origin: germline.
Comment: The c.1358dupG (p.A454Sfs*10) alteration, located in exon 11 (coding exon 9) of the SRCAP gene, consists of a duplication of G at position 1358, causing a translational frameshift with a predicted alternate stop codon after 10 amino acids. This alteration is expected to result in loss of function by premature protein truncation or nonsense-mediated mRNA decay. _x000D_ _x000D_ _x000D_ _x000D_ _x000D_ _x000D_ for SRCAP-related neurodevelopmental disorder; however, it is unlikely to be causative of Floating-Harbor syndrome. This variant was not reported in population-based cohorts in the Genome Aggregation Database (gnomAD). Based on the available evidence, this alteration is classified as pathogenic.

NM_006662.3(SRCAP):c.1358dup (p.Ala454fs)

Gene: SRCAP (Snf2 related CREBBP activator protein; plus strand). Cytogenetic location: 16p11.2.
Variant type: Duplication.
Coding change: c.1358dup on transcript NM_006662.3 (MANE Select); coding-DNA position 1358, one base duplicated (G; older notation c.1358dupG).
Protein change: p.Ala454fs; shifts the reading frame from alanine 454.
Molecular consequence: frameshift variant.
Genome position (GRCh38, 1-based): chr16:30,711,610, G duplicated; the last of 2 consecutive G bases (chr16:30,711,609-30,711,610); duplicating either gives the same sequence. VCF-style (leftmost placement, unchanged base first): chr16-30711608-A-AG. GRCh37 (hg19) VCF-style: chr16-30722929-A-AG.
Other names: short protein forms A454fs.
Identifiers: ClinVar variation 3169835 (VCV003169835.1), dbSNP rs2506628039, ClinGen allele CA2825002414.